The following is an entry in ClinVar:

NM_000051.4(ATM):c.1467T>C (p.Cys489=)

Gene: ATM (ATM serine/threonine kinase; plus strand). Cytogenetic location: 11q22.3.
Variant type: single nucleotide variant.
Coding change: c.1467T>C on transcript NM_000051.4 (MANE Select); coding-DNA position 1467, T replaced by C.
Protein change: p.Cys489=; no amino-acid change (cysteine 489 retained).
Molecular consequence: synonymous variant.
Genome position (GRCh38, 1-based): chr11:108,250,932, T>C. VCF-style: chr11-108250932-T-C. GRCh37 (hg19) VCF-style: chr11-108121659-T-C.
Other names: c.1467T>C, p.Cys489= (NM_001351834.2).
Identifiers: ClinVar variation 1050387 (VCV001050387.1), dbSNP rs1591524178, ClinGen allele CA476744845.

ClinVar aggregate classification (germline): Likely benign (0 of 4 stars; one submission).

Conditions:
Ataxia-telangiectasia syndrome (AT). Also called: ATAXIA-TELANGIECTASIA, FRESNO VARIANT; Ataxia-telangiectasia, complementation group E; ATAXIA-TELANGIECTASIA, COMPLEMENTATION GROUP A; LOUIS-BAR SYNDROME; Ataxia-telangiectasia, complementation group D; AT, COMPLEMENTATION GROUP C. Identifiers: Orphanet 100, MedGen C0004135, MONDO:0008840, OMIM 208900.

Submission:

Department of Pathology and Laboratory Medicine, Sinai Health System
Classification: Likely benign for Ataxia-telangiectasia syndrome. Review status: no assertion criteria provided. Collection method: clinical testing. Allele origin: unknown. Affected: yes. Observed: 1 variant allele. Study: The Canadian Open Genetics Repository (COGR).
Comment: The ATM p.Cys489= variant was not identified in the literature nor was it identified in the dbSNP, ClinVar, GeneInsight-COGR, Cosmic, LOVD 3.0, or ATM-LOVD databases. The variant was not identified in the following control databases: the Exome Aggregation Consortium (August 8th 2016) or the Genome Aggregation Database (Feb 27, 2017). The p.Cys489= variant is not expected to have clinical significance because it does not result in a change of amino acid and is not located in a known consensus splice site. In addition, in silico or computational prediction software programs (SpliceSiteFinder, MaxEntScan, NNSPLICE, GeneSplicer) do not predict a difference in splicing. In summary, based on the above information the clinical significance of this variant cannot be determined with certainty at this time although we would lean towards a more benign role for this variant. This variant is classified as likely benign.